The following is an entry in ClinVar:

NM_001374736.1(DST):c.3477G>A (p.Ala1159=)

Gene: DST (dystonin; minus strand). Cytogenetic location: 6p12.1.
Variant type: single nucleotide variant.
Coding change: c.3477G>A on transcript NM_001374736.1 (MANE Select); coding-DNA position 3477, G replaced by A.
Protein change: p.Ala1159=; no amino-acid change (alanine 1159 retained).
Molecular consequence: synonymous variant.
Genome position (GRCh38, 1-based): chr6:56,634,479, C>T on the plus strand (G>A on the coding strand, the complement: DST is on the minus strand). VCF-style: chr6-56634479-C-T. GRCh37 (hg19) VCF-style: chr6-56499277-C-T.
Other names: c.3378G>A, p.Ala1126= (NM_001144769.5); c.2964G>A, p.Ala988= (NM_001144770.2); c.3477G>A, p.Ala1159= (NM_001374722.1); c.2844G>A, p.Ala948= (NM_001374729.1, NM_001374730.1, NM_001386100.1 and 1 more transcripts); c.3504G>A, p.Ala1168= (NM_001374734.1); c.1866G>A, p.Ala622= (NM_001723.7, NM_015548.5).
Identifiers: ClinVar variation 809960 (VCV000809960.49), dbSNP rs201509973, ClinGen allele CA3871155.

ClinVar aggregate classification (germline): Likely benign. Review status: criteria provided, multiple submitters, no conflicts (2 of 4 stars). 2 submissions from 2 submitters: Likely benign (2). Last evaluated 2025-08-13.

Conditions:
Hereditary sensory and autonomic neuropathy type 6. Also called: Neuropathy, hereditary sensory and autonomic, type VI; HSAN VI. Identifiers: Orphanet 314381, MedGen C3539003, MONDO:0013839, OMIM 614653.
Epidermolysis bullosa simplex 3, localized or generalized intermediate, with BP230 deficiency (EBS3). Also called: Epidermolysis bullosa simplex, autosomal recessive 2; Epidermolysis bullosa simplex due to BP230 deficiency. Identifiers: Orphanet 412181, MedGen C3809470, MONDO:0014180, OMIM 615425.

Allele frequency attached by ClinVar (database versions not stated): gnomAD 0.00001; TOPMed 0.00002; gnomAD exomes 0.00005; ExAC 0.00007; 1000 Genomes Project 30x 0.00016; 1000 Genomes Project 0.00020.
gnomAD v4.1: 39 of 1,614,110 alleles (0.0024%); highest among the groups gnomAD compares: South Asian, 0.031%; no homozygotes.

Submissions (2):

Labcorp Genetics (formerly Invitae), Labcorp
Classification: Likely benign for Epidermolysis bullosa simplex 3, localized or generalized intermediate, with BP230 deficiency; Hereditary sensory and autonomic neuropathy type 6. Last evaluated: 2025-08-13. Review status: criteria provided, single submitter. Criteria: Invitae Variant Classification Sherloc (09022015). Collection method: clinical testing. Allele origin: germline.

CeGaT Center for Human Genetics Tuebingen
Classification: Likely benign. Last evaluated: 2022-09-01. Review status: criteria provided, single submitter. Criteria: CeGaT Center For Human Genetics Tuebingen Variant Classification Criteria Version 2. Collection method: clinical testing. Allele origin: germline. Affected: yes. Observed: 1 variant allele.
Comment: DST: BP4, BP7